The following is an entry in ClinVar:

NM_199420.4(POLQ):c.671C>T (p.Ser224Phe)

Gene: POLQ (DNA polymerase theta; minus strand). Cytogenetic location: 3q13.33.
Variant type: single nucleotide variant.
Coding change: c.671C>T on transcript NM_199420.4 (MANE Select); coding-DNA position 671, C replaced by T.
Protein change: p.Ser224Phe; replaces serine 224 with phenylalanine.
Molecular consequence: missense variant.
Genome position (GRCh38, 1-based): chr3:121,537,169, G>A on the plus strand (C>T on the coding strand, the complement: POLQ is on the minus strand). VCF-style: chr3-121537169-G-A. GRCh37 (hg19) VCF-style: chr3-121256016-G-A.
Other names: short protein forms S224F.
Identifiers: ClinVar variation 3422371 (VCV003422371.1).

ClinVar aggregate classification (germline): Uncertain significance (1 of 4 stars; one submission).

Submission:

Ambry Genetics
Classification: Uncertain significance. Last evaluated: 2024-10-24. Review status: criteria provided, single submitter. Criteria: Ambry Variant Classification Scheme 2023. Collection method: clinical testing. Allele origin: germline.
Comment: The p.S224F variant (also known as c.671C>T), located in coding exon 5 of the POLQ gene, results from a C to T substitution at nucleotide position 671. The serine at codon 224 is replaced by phenylalanine, an amino acid with highly dissimilar properties. This amino acid position is conserved. In addition, this alteration is predicted to be tolerated by in silico analysis. Based on the available evidence, the clinical significance of this variant remains unclear.